The following is an entry in ClinVar:

NM_005529.7(HSPG2):c.5086C>T (p.Leu1696=)

Gene: HSPG2 (heparan sulfate proteoglycan 2; minus strand). Cytogenetic location: 1p36.12.
Variant type: single nucleotide variant.
Coding change: c.5086C>T on transcript NM_005529.7 (MANE Select); coding-DNA position 5086, C replaced by T.
Protein change: p.Leu1696=; no amino-acid change (leucine 1696 retained).
Molecular consequence: synonymous variant.
Genome position (GRCh38, 1-based): chr1:21,859,931, G>A on the plus strand (C>T on the coding strand, the complement: HSPG2 is on the minus strand). VCF-style: chr1-21859931-G-A. GRCh37 (hg19) VCF-style: chr1-22186424-G-A.
Other names: c.5089C>T, p.Leu1697= (NM_001291860.2).
Identifiers: ClinVar variation 4084134 (VCV004084134.8).

ClinVar aggregate classification (germline): Likely benign (1 of 4 stars; one submission).

gnomAD v4.1: 41 of 1,610,588 alleles (0.0025%); highest among the groups gnomAD compares: East Asian, 0.049%; no homozygotes.

Submission:

CeGaT Center for Human Genetics Tuebingen
Classification: Likely benign. Last evaluated: 2025-06-01. Review status: criteria provided, single submitter. Criteria: CeGaT Center For Human Genetics Tuebingen Variant Classification Criteria Version 2. Collection method: clinical testing. Allele origin: germline. Affected: yes. Observed: 1 variant allele.
Comment: HSPG2: BP4, BP7